The following is an entry in ClinVar:

ClinVar aggregate classification (germline): Conflicting classifications of pathogenicity. Review status: criteria provided, conflicting classifications (1 of 4 stars). 5 submissions from 5 submitters: Uncertain significance (2); Benign (1); Likely benign (2). Last evaluated 2026-06-01.

Conditions:
Junctional epidermolysis bullosa. Identifiers: Orphanet 305, MedGen C0079301, MONDO:0017612.

Allele frequency attached by ClinVar (database versions not stated): 1000 Genomes Project 30x 0.00047; 1000 Genomes Project 0.00060; gnomAD 0.00061; ESP Exome Variant Server 0.00108; TOPMed 0.00138.

Submissions (5):

CeGaT Center for Human Genetics Tuebingen
Classification: Likely benign. Last evaluated: 2026-06-01. Review status: criteria provided, single submitter. Criteria: CeGaT Center For Human Genetics Tuebingen Variant Classification Criteria Version 2. Collection method: clinical testing. Allele origin: germline. Affected: yes. Observed: 4 variant alleles.
Comment: LAMC2: BP4

Labcorp Genetics (formerly Invitae), Labcorp
Classification: Benign. Last evaluated: 2026-01-26. Review status: criteria provided, single submitter. Criteria: Invitae Variant Classification Sherloc (09022015). Collection method: clinical testing. Allele origin: germline.

Blueprint Genetics
Classification: Likely benign. Last evaluated: 2024-11-21. Review status: criteria provided, single submitter. Criteria: ACMG Guidelines, 2015. Collection method: clinical testing. Allele origin: germline.

Illumina Laboratory Services, Illumina
Classification: Uncertain significance for Junctional epidermolysis bullosa. Last evaluated: 2018-01-13. Review status: criteria provided, single submitter. Criteria: ICSL Variant Classification Criteria 13 December 2019. Collection method: clinical testing. Allele origin: germline.

Eurofins Ntd Llc (ga)
Classification: Uncertain significance. Last evaluated: 2015-09-02. Review status: criteria provided, single submitter. Criteria: EGL Classification Definitions 2015. Collection method: clinical testing. Allele origin: germline. Observed: 2 variant alleles, 1 heterozygote.

NM_005562.3(LAMC2):c.1318A>G (p.Ile440Val)

Gene: LAMC2 (laminin subunit gamma 2; plus strand). Cytogenetic location: 1q25.3.
Variant type: single nucleotide variant.
Coding change: c.1318A>G on transcript NM_005562.3 (MANE Select); coding-DNA position 1318, A replaced by G.
Protein change: p.Ile440Val; replaces isoleucine 440 with valine.
Molecular consequence: missense variant.
Genome position (GRCh38, 1-based): chr1:183,227,547, A>G. VCF-style: chr1-183227547-A-G. GRCh37 (hg19) VCF-style: chr1-183196682-A-G.
Other names: c.1318A>G, p.Ile440Val (NM_018891.3); short protein forms I440V.
Identifiers: ClinVar variation 283044 (VCV000283044.45), dbSNP rs147889360, ClinGen allele CA1282583.